The following continues an entry in ClinVar:

NM_004415.4(DSP):c.2723G>A (p.Arg908His)

Gene: DSP. ClinVar aggregate classification (germline): Conflicting classifications of pathogenicity. Uncertain significance (1); Benign (5); Likely benign (11).

Submissions 17 to 23 of 23:

Biesecker Lab/Clinical Genomics Section, National Institutes of Health
Classification: Likely benign. Last evaluated: 2013-06-24. Review status: criteria provided, single submitter. Criteria: Ng et al. (Circ Cardiovasc Genet. 2013). Collection method: research. Allele origin: unknown. Observed: 5 variant alleles. Study: ClinSeq.
Comment: The study set was not selected for affection status in relation to any cancer. Pathogenicity categories were based on literature curation. See Pubmed ID:23861362 for details.

Medical sequencing

PreventionGenetics, part of Exact Sciences
Classification: Likely benign for DSP-related condition. Last evaluated: 2020-10-15. Review status: no assertion criteria provided. Collection method: clinical testing. Allele origin: germline. Not counted in ClinVar's aggregate classification.
Comment: This variant is classified as likely benign based on ACMG/AMP sequence variant interpretation guidelines (Richards et al. 2015 PMID: 25741868, with internal and published modifications).

Clinical Genetics DNA and cytogenetics Diagnostics Lab, Erasmus MC, Erasmus Medical Center
Classification: Likely benign. Review status: no assertion criteria provided. Collection method: clinical testing. Allele origin: germline. Affected: yes. Study: VKGL Data-share Consensus. Not counted in ClinVar's aggregate classification.

Clinical Genetics, Academic Medical Center
Classification: Benign. Review status: no assertion criteria provided. Collection method: clinical testing. Allele origin: germline. Affected: yes. Study: VKGL Data-share Consensus. Not counted in ClinVar's aggregate classification.

Diagnostic Laboratory, Department of Genetics, University Medical Center Groningen
Classification: Likely benign. Review status: no assertion criteria provided. Collection method: clinical testing. Allele origin: germline. Affected: yes. Study: VKGL Data-share Consensus. Not counted in ClinVar's aggregate classification.

Genome Diagnostics Laboratory, University Medical Center Utrecht
Classification: Likely benign. Review status: no assertion criteria provided. Collection method: clinical testing. Allele origin: germline. Affected: yes. Study: VKGL Data-share Consensus. Not counted in ClinVar's aggregate classification.

Joint Genome Diagnostic Labs from Nijmegen and Maastricht, Radboudumc and MUMC+
Classification: Benign. Review status: no assertion criteria provided. Collection method: clinical testing. Allele origin: germline. Affected: yes. Study: VKGL Data-share Consensus. Not counted in ClinVar's aggregate classification.

Literature cited by the submitters: PubMed 23861362 (cited by Women's Health and Genetics/Laboratory Corporation of America, LabCorp and Ambry Genetics); PubMed 26498160 (cited by Women's Health and Genetics/Laboratory Corporation of America, LabCorp); PubMed 25163546 (cited by Women's Health and Genetics/Laboratory Corporation of America, LabCorp); PubMed 21606390 (cited by 4 submitters); PubMed 23299917 (cited by Ambry Genetics); PubMed 27884173 (cited by Ambry Genetics); PubMed 23465283 (cited by Laboratory for Molecular Medicine, Mass General Brigham Personalized Medicine).